The following is an entry in ClinVar:

NM_017838.4(NHP2):c.362A>G (p.Lys121Arg)

Genes: RMND5B (required for meiotic nuclear division 5 homolog B; plus strand), NHP2 (NHP2 ribonucleoprotein; minus strand). Cytogenetic location: 5q35.3.
Variant type: single nucleotide variant.
Coding change: c.362A>G on transcript NM_017838.4 (MANE Select); coding-DNA position 362, A replaced by G.
Protein change: p.Lys121Arg; replaces lysine 121 with arginine.
Molecular consequence: missense variant. On other transcripts: 3 prime UTR variant (3).
Genome position (GRCh38, 1-based): chr5:178,149,813, T>C on the plus strand (A>G on the coding strand, the complement: NHP2 is on the minus strand). VCF-style: chr5-178149813-T-C. GRCh37 (hg19) VCF-style: chr5-177576814-T-C.
Other names: c.256A>G, p.Ser86Gly (NM_001034833.2); c.490A>G, p.Ser164Gly (NM_001396110.1); c.*1781T>C (NM_001288794.2, NM_001288795.2, NM_022762.5); short protein forms K121R, S86G, S164G.
Identifiers: ClinVar variation 1445797 (VCV001445797.6), dbSNP rs2113463207, ClinGen allele CA362391172.

ClinVar aggregate classification (germline): Uncertain significance (1 of 4 stars; one submission).

Conditions:
Dyskeratosis congenita. Identifiers: Orphanet 1775, MedGen C0265965, MONDO:0015780.

Submission:

Labcorp Genetics (formerly Invitae), Labcorp
Classification: Uncertain significance for Dyskeratosis congenita. Last evaluated: 2022-09-07. Review status: criteria provided, single submitter. Criteria: Invitae Variant Classification Sherloc (09022015). Collection method: clinical testing. Allele origin: germline.
Comment: This variant is not present in population databases (gnomAD no frequency). In summary, the available evidence is currently insufficient to determine the role of this variant in disease. Therefore, it has been classified as a Variant of Uncertain Significance. Algorithms developed to predict the effect of missense changes on protein structure and function (SIFT, PolyPhen-2, Align-GVGD) all suggest that this variant is likely to be tolerated. ClinVar contains an entry for this variant (Variation ID: 1445797). This variant has not been reported in the literature in individuals affected with NHP2-related conditions. This sequence change replaces lysine, which is basic and polar, with arginine, which is basic and polar, at codon 121 of the NHP2 protein (p.Lys121Arg).